The following is an entry in ClinVar:

NM_000530.8(MPZ):c.404T>C (p.Ile135Thr)

Gene: MPZ (myelin protein zero; minus strand). Cytogenetic location: 1q23.3.
Variant type: single nucleotide variant.
Coding change: c.404T>C on transcript NM_000530.8 (MANE Select); coding-DNA position 404, T replaced by C.
Protein change: p.Ile135Thr; replaces isoleucine 135 with threonine.
Molecular consequence: missense variant.
Genome position (GRCh38, 1-based): chr1:161,306,752, A>G on the plus strand (T>C on the coding strand, the complement: MPZ is on the minus strand). VCF-style: chr1-161306752-A-G. GRCh37 (hg19) VCF-style: chr1-161276542-A-G.
Other names: c.404T>C, p.Ile135Thr (LRG_256t1, NM_001315491.2); short protein forms I135T.
Identifiers: ClinVar variation 14172 (VCV000014172.11), dbSNP rs121913587, ClinGen allele CA257146.

ClinVar aggregate classification (germline): Pathogenic. Review status: criteria provided, multiple submitters, no conflicts (2 of 4 stars). 4 submissions from 4 submitters: Pathogenic (3). 1 of the submissions does not count toward it. Last evaluated 2025-10-17.

Conditions:
Charcot-Marie-Tooth disease type 1B. Also called: CHARCOT-MARIE-TOOTH DISEASE, AUTOSOMAL DOMINANT, WITH FOCALLY FOLDED MYELIN SHEATHS, TYPE 1B; CHARCOT-MARIE-TOOTH DISEASE, SLOW NERVE CONDUCTION TYPE, LINKED TO DUFFY; CHARCOT-MARIE-TOOTH NEUROPATHY, TYPE 1B; HEREDITARY MOTOR AND SENSORY NEUROPATHY I; HEREDITARY MOTOR AND SENSORY NEUROPATHY IB; Charcot-Marie-Tooth disease, type IB. Identifiers: Orphanet 101082, MedGen C0270912, MONDO:0007307, OMIM 118200.
MPZ-related disorder. Also called: MPZ-related condition; MPZ-related disorders.
Charcot-Marie-Tooth disease, type I (CMT1). Also called: Charcot-Marie-Tooth, Type 1; Charcot-Marie-Tooth disease type 1. Identifiers: Orphanet 65753, MedGen C0751036, MONDO:0019011.

Submissions (4):

3billion
Classification: Pathogenic for MPZ-related disorder. Last evaluated: 2025-10-17. Review status: criteria provided, single submitter. Criteria: ACMG Guidelines, 2015. Collection method: clinical testing. Allele origin: germline. Affected: yes.
Comment: The variant is not observed in the gnomAD v4.1.0 dataset. Predicted Consequence/Location: Missense variant In silico tool predictions suggest damaging effect of the variant on gene or gene product [3Cnet: 0.99 (> 0.75, sensitivity 0.96 and precision 0.92)]. The same nucleotide change resulting in the same amino acid change has been previously reported as pathogenic/likely pathogenic with strong evidence (ClinVar ID: VCV000014172 /PMID: 8664899 /3billion dataset). The variant has been previously reported as assumed (i.e. paternity and maternity not confirmed) de novo in at least one similarly affected unrelated individual (PMID: 8664899). Different missense changes at the same codon (p.Ile135Arg, p.Ile135Leu, p.Ile135Met) have been reported as pathogenic/likely pathogenic with strong evidence (ClinVar ID: VCV000243089, VCV000861910 /PMID: 22018721, 30340945, 8797476 /3billion dataset). Therefore, this variant is classified as Pathogenic according to the recommendation of ACMG/AMP guideline.

Labcorp Genetics (formerly Invitae), Labcorp
Classification: Pathogenic for Charcot-Marie-Tooth disease, type I. Last evaluated: 2024-07-19. Review status: criteria provided, single submitter. Criteria: Invitae Variant Classification Sherloc (09022015). Collection method: clinical testing. Allele origin: germline.
Comment: This sequence change replaces isoleucine, which is neutral and non-polar, with threonine, which is neutral and polar, at codon 135 of the MPZ protein (p.Ile135Thr). This variant is not present in population databases (gnomAD no frequency). This missense change has been observed in individual(s) with Charcot-Marie-Tooth disease (PMID: 8664899, 10737979, 21107784). In at least one individual the variant was observed to be de novo. ClinVar contains an entry for this variant (Variation ID: 14172). Advanced modeling of protein sequence and biophysical properties (such as structural, functional, and spatial information, amino acid conservation, physicochemical variation, residue mobility, and thermodynamic stability) performed at Invitae indicates that this missense variant is not expected to disrupt MPZ protein function with a negative predictive value of 80%. Experimental studies are conflicting or provide insufficient evidence to determine the effect of this variant on MPZ function (PMID: 29687021). This variant disrupts the p.Ile135 amino acid residue in MPZ. Other variant(s) that disrupt this residue have been determined to be pathogenic (PMID: 12090401; Invitae). This suggests that this residue is clinically significant, and that variants that disrupt this residue are likely to be disease-causing. For these reasons, this variant has been classified as Pathogenic.

GeneDx
Classification: Pathogenic. Last evaluated: 2021-12-13. Review status: criteria provided, single submitter. Criteria: GeneDx Variant Classification Process June 2021. Collection method: clinical testing. Allele origin: germline. Affected: yes.
Comment: Not observed at significant frequency in large population cohorts (Lek et al., 2016); Missense variants in this gene are often considered pathogenic (Stenson et al., 2014); In silico analysis supports that this missense variant has a deleterious effect on protein structure/function; This variant is associated with the following publications: (PMID: 29627640, 21107784, 9055797, 10737979, 29687021, 32959227, 33179255, 8664899, 26310628, 20461396)

OMIM
Classification: Pathogenic for CHARCOT-MARIE-TOOTH DISEASE, TYPE 1B. Last evaluated: 1996-01-01. Review status: no assertion criteria provided. Collection method: literature only. Allele origin: germline. Not counted in ClinVar's aggregate classification.

Literature cited by the submitters: PubMed 22018721 (cited by 3billion); PubMed 8664899 (cited by 3 submitters); PubMed 10737979 (cited by Labcorp Genetics (formerly Invitae), Labcorp); PubMed 21107784 (cited by Labcorp Genetics (formerly Invitae), Labcorp); PubMed 29687021 (cited by Labcorp Genetics (formerly Invitae), Labcorp); PubMed 12090401 (cited by Labcorp Genetics (formerly Invitae), Labcorp).